The following is an entry in ClinVar:

ClinVar aggregate classification (germline): Benign/Likely benign. Review status: criteria provided, multiple submitters, no conflicts (2 of 4 stars). 5 submissions from 5 submitters: Benign (1); Likely benign (3). 1 of the submissions does not count toward it. Last evaluated 2025-12-21.

Conditions:
BAP1-related disorder. Also called: BAP1-related condition.
Hereditary cancer-predisposing syndrome. Also called: Tumor predisposition; Neoplastic Syndromes, Hereditary; Hereditary neoplastic syndrome; Hereditary Cancer Syndrome. Identifiers: Orphanet 140162, MedGen C0027672, MeSH D009386, MONDO:0015356.
BAP1-related tumor predisposition syndrome (TPDS1). Also called: BAP1 tumor predisposition syndrome; Tumor susceptibility linked to germline BAP1 mutations; COMMON Syndrome; TUMOR PREDISPOSITION SYNDROME 1. Identifiers: Orphanet 289539, MedGen C3280492, MONDO:0013692, OMIM 614327.

Allele frequency attached by ClinVar (database versions not stated): gnomAD exomes below 0.00001 and 0.00003; ExAC 0.00001; gnomAD 0.00001; TOPMed 0.00002.
gnomAD v4.1: 42 of 1,613,684 alleles (0.0026%); highest among the groups gnomAD compares: Non-Finnish European, 0.0033%; no homozygotes.

Submissions (5):

Labcorp Genetics (formerly Invitae), Labcorp
Classification: Likely benign for BAP1-related tumor predisposition syndrome. Last evaluated: 2025-12-21. Review status: criteria provided, single submitter. Criteria: Invitae Variant Classification Sherloc (09022015). Collection method: clinical testing. Allele origin: germline.

Myriad Genetics, Inc.
Classification: Benign for BAP1-related tumor predisposition syndrome. Last evaluated: 2024-07-12. Review status: criteria provided, single submitter. Criteria: Myriad Autosomal Dominant, Autosomal Recessive and X-Linked Classification Criteria (2023). Collection method: clinical testing. Allele origin: unknown.
Comment: This variant is considered benign. This variant is a silent/synonymous amino acid change and it is not expected to impact splicing.

Ambry Genetics
Classification: Likely benign for Hereditary cancer-predisposing syndrome. Last evaluated: 2018-09-28. Review status: criteria provided, single submitter. Criteria: Ambry Variant Classification Scheme 2023. Collection method: clinical testing. Allele origin: germline.

Color Diagnostics, LLC DBA Color Health
Classification: Likely benign for Hereditary cancer-predisposing syndrome. Last evaluated: 2017-06-08. Review status: criteria provided, single submitter. Criteria: ACMG Guidelines, 2015. Collection method: clinical testing. Allele origin: germline.

PreventionGenetics, part of Exact Sciences
Classification: Likely benign for BAP1-related condition. Last evaluated: 2023-02-24. Review status: no assertion criteria provided. Collection method: clinical testing. Allele origin: germline. Not counted in ClinVar's aggregate classification.
Comment: This variant is classified as likely benign based on ACMG/AMP sequence variant interpretation guidelines (Richards et al. 2015 PMID: 25741868, with internal and published modifications).

NM_004656.4(BAP1):c.315C>T (p.Ser105=)

Gene: BAP1 (BRCA1 associated deubiquitinase 1; minus strand). Cytogenetic location: 3p21.1.
Variant type: single nucleotide variant.
Coding change: c.315C>T on transcript NM_004656.4 (MANE Select); coding-DNA position 315, C replaced by T.
Protein change: p.Ser105=; no amino-acid change (serine 105 retained).
Molecular consequence: synonymous variant.
Genome position (GRCh38, 1-based): chr3:52,408,018, G>A on the plus strand (C>T on the coding strand, the complement: BAP1 is on the minus strand). VCF-style: chr3-52408018-G-A. GRCh37 (hg19) VCF-style: chr3-52442034-G-A.
Other names: c.315C>T (LRG_529t1).
Identifiers: ClinVar variation 417284 (VCV000417284.20), dbSNP rs576176888, ClinGen allele CA2437126.